The following is an entry in ClinVar:

NM_000827.4(GRIA1):c.1453-7_1453-4dup

Gene: GRIA1 (glutamate ionotropic receptor AMPA type subunit 1; plus strand). Cytogenetic location: 5q33.2.
Variant type: Duplication.
Coding change: c.1453-7_1453-4dup on transcript NM_000827.4 (MANE Select); 7 bases into the intron before coding-DNA position 1453 through 4 bases into the intron before coding-DNA position 1453, 4 bases duplicated (TTTT; older notation c.1453-7_1453-4dupTTTT).
Molecular consequence: intron variant.
Genome position (GRCh38, 1-based): chr5:153,705,690-153,705,693, TTTT duplicated; duplicating any 4 consecutive bases within chr5:153,705,663-153,705,693 gives the same sequence; the c. name uses the placement nearest the transcript's 3' end. VCF-style (leftmost placement, unchanged base first): chr5-153705662-A-ATTTT. GRCh37 (hg19) VCF-style: chr5-153085222-A-ATTTT.
Other names: c.1480-7_1480-4dup (NM_001364166.2); c.1246-7_1246-4dup (NM_001364167.2, NM_001258023.1); c.1168-7_1168-4dup (NM_001258020.2); c.1453-7_1453-4dup (NM_001114183.2); c.1285-7_1285-4dup (NM_001364165.2); c.1213-7_1213-4dup (NM_001258019.2); c.1483-7_1483-4dup (NM_001258021.2, NM_001258022.2).
Identifiers: ClinVar variation 5001576 (VCV005001576.1).
Genomic context (GRCh38, chr5:153,705,662, plus strand): 5'-AAGAATAGTCACAATGAGAAGAAAAACAAGAGAATGAAAAGGGCTGCTGAGCTCACCTGC[A>ATTTT]TTTTTTTTTTTTTTTTTTTTTTTTTTTTTTTCAGAGAGCAGATGTGGCTGTGGCTCCCTT-3'

ClinVar aggregate classification (germline): Likely benign (1 of 4 stars; one submission).

Conditions:
GRIA1-related disorder. Also called: GRIA1-related condition.

Submission:

PreventionGenetics, part of Exact Sciences
Classification: Likely benign for GRIA1-related condition. Last evaluated: 2025-11-13. Review status: criteria provided, single submitter. Criteria: ACMG Guidelines, 2015. Collection method: clinical testing. Allele origin: germline.
Comment: This variant is classified as likely benign based on ACMG/AMP sequence variant interpretation guidelines (Richards et al. 2015 PMID: 25741868, with internal and published modifications).